The following is an entry in ClinVar:

NM_004415.4(DSP):c.112A>G (p.Ser38Gly)

Genes: DSP (desmoplakin; plus strand), DSP-AS1 (DSP antisense RNA 1; minus strand). Cytogenetic location: 6p24.3.
Variant type: single nucleotide variant.
Coding change: c.112A>G on transcript NM_004415.4 (MANE Select); coding-DNA position 112, A replaced by G.
Protein change: p.Ser38Gly; replaces serine 38 with glycine.
Molecular consequence: missense variant.
Genome position (GRCh38, 1-based): chr6:7,542,027, A>G. VCF-style: chr6-7542027-A-G. GRCh37 (hg19) VCF-style: chr6-7542260-A-G.
Other names: c.112A>G, p.Ser38Gly (NM_001008844.3, NM_001319034.2, NM_001406591.1); short protein forms S38G.
Identifiers: ClinVar variation 3505534 (VCV003505534.1).

ClinVar aggregate classification (germline): Uncertain significance (1 of 4 stars; one submission).

Conditions:
Cardiovascular phenotype. Identifiers: MedGen CN230736.

gnomAD v4.1: 2 of 1,581,588 alleles (0.00013%); highest among the groups gnomAD compares: Non-Finnish European, 0.00017%; no homozygotes.

Submission:

Ambry Genetics
Classification: Uncertain significance for Cardiovascular phenotype. Last evaluated: 2024-11-27. Review status: criteria provided, single submitter. Criteria: Ambry Variant Classification Scheme 2023. Collection method: clinical testing. Allele origin: germline.
Comment: The p.S38G variant (also known as c.112A>G), located in coding exon 1 of the DSP gene, results from an A to G substitution at nucleotide position 112. The serine at codon 38 is replaced by glycine, an amino acid with similar properties. This amino acid position is conserved. In addition, this alteration is predicted to be tolerated by in silico analysis. Based on the available evidence, the clinical significance of this variant remains unclear.